The following is an entry in ClinVar:

NM_015559.3(SETBP1):c.862G>A (p.Gly288Ser)

Gene: SETBP1 (SET binding protein 1; plus strand). Cytogenetic location: 18q12.3.
Variant type: single nucleotide variant.
Coding change: c.862G>A on transcript NM_015559.3 (MANE Select); coding-DNA position 862, G replaced by A.
Protein change: p.Gly288Ser; replaces glycine 288 with serine.
Molecular consequence: missense variant.
Genome position (GRCh38, 1-based): chr18:44,950,202, G>A. VCF-style: chr18-44950202-G-A. GRCh37 (hg19) VCF-style: chr18-42530167-G-A.
Other names: short protein forms G288S.
Identifiers: ClinVar variation 2712801 (VCV002712801.3), dbSNP rs267605185, ClinGen allele CA299696487.

ClinVar aggregate classification (germline): Uncertain significance (1 of 4 stars; one submission).

Allele frequency attached by ClinVar (database versions not stated): gnomAD 0.00001.
gnomAD v4.1: 3 of 1,613,784 alleles (0.00019%); highest among the groups gnomAD compares: African/African-American, 0.0027%; no homozygotes.

Submission:

Labcorp Genetics (formerly Invitae), Labcorp
Classification: Uncertain significance. Last evaluated: 2023-06-13. Review status: criteria provided, single submitter. Criteria: Invitae Variant Classification Sherloc (09022015). Collection method: clinical testing. Allele origin: germline.
Comment: In summary, the available evidence is currently insufficient to determine the role of this variant in disease. Therefore, it has been classified as a Variant of Uncertain Significance. Advanced modeling of protein sequence and biophysical properties (such as structural, functional, and spatial information, amino acid conservation, physicochemical variation, residue mobility, and thermodynamic stability) performed at Invitae indicates that this missense variant is not expected to disrupt SETBP1 protein function. This variant has not been reported in the literature in individuals affected with SETBP1-related conditions. This variant is not present in population databases (gnomAD no frequency). This sequence change replaces glycine, which is neutral and non-polar, with serine, which is neutral and polar, at codon 288 of the SETBP1 protein (p.Gly288Ser).